The following is an entry in ClinVar:

ClinVar aggregate classification (germline): Likely benign (1 of 4 stars; one submission).

Conditions:
LZTR1-related disorder. Also called: LZTR1-related disorders; LZTR1-related condition.

Submission:

PreventionGenetics, part of Exact Sciences
Classification: Likely benign for LZTR1-related condition. Last evaluated: 2026-05-12. Review status: criteria provided, single submitter. Criteria: ACMG Guidelines, 2015. Collection method: clinical testing. Allele origin: germline.
Comment: This variant is classified as likely benign based on ACMG/AMP sequence variant interpretation guidelines (Richards et al. 2015 PMID: 25741868, with internal and published modifications).

NM_006767.4(LZTR1):c.791+9T>C

Gene: LZTR1 (leucine zipper like post translational regulator 1; plus strand). Cytogenetic location: 22q11.21.
Variant type: single nucleotide variant.
Coding change: c.791+9T>C on transcript NM_006767.4 (MANE Select); 9 bases into the intron after coding-DNA position 791, T replaced by C.
Molecular consequence: intron variant.
Genome position (GRCh38, 1-based): chr22:20,990,534, T>C. VCF-style: chr22-20990534-T-C. GRCh37 (hg19) VCF-style: chr22-21344823-T-C.
Identifiers: ClinVar variation 4996387 (VCV004996387.1).